The following is an entry in ClinVar:

NM_020320.5(RARS2):c.601C>G (p.His201Asp)

Gene: RARS2 (arginyl-tRNA synthetase 2, mitochondrial; minus strand). Cytogenetic location: 6q15.
Variant type: single nucleotide variant.
Coding change: c.601C>G on transcript NM_020320.5 (MANE Select); coding-DNA position 601, C replaced by G.
Protein change: p.His201Asp; replaces histidine 201 with aspartic acid.
Molecular consequence: missense variant. On other transcripts: non-coding transcript variant (18).
Genome position (GRCh38, 1-based): chr6:87,541,929, G>C on the plus strand (C>G on the coding strand, the complement: RARS2 is on the minus strand). VCF-style: chr6-87541929-G-C. GRCh37 (hg19) VCF-style: chr6-88251647-G-C.
Other names: c.76C>G, p.His26Asp (NM_001318785.2, NM_001350506.2, NM_001350507.2 and 4 more transcripts); c.601C>G, p.His201Asp (NM_001350505.2); short protein forms H201D, H26D.
Identifiers: ClinVar variation 3366715 (VCV003366715.2).

ClinVar aggregate classification (germline): Uncertain significance. Review status: criteria provided, multiple submitters, no conflicts (2 of 4 stars). 2 submissions from 2 submitters: Uncertain significance (2). Last evaluated 2025-09-13.

Conditions:
Pontocerebellar hypoplasia type 6 (PCH6). Identifiers: Orphanet 166073, MedGen C1969084, MONDO:0012683, OMIM 611523.

gnomAD v4.1: 3 of 1,612,562 alleles (0.00019%); highest among the groups gnomAD compares: Non-Finnish European, 0.00025%; no homozygotes.

Submissions (2):

3billion
Classification: Uncertain significance for Pontocerebellar hypoplasia type 6. Last evaluated: 2025-09-13. Review status: criteria provided, single submitter. Criteria: ACMG Guidelines, 2015. Collection method: clinical testing. Allele origin: germline. Affected: yes.
Comment: The variant is observed at an extremely low frequency in the gnomAD v4.1.0 dataset (total allele frequency: <0.001%). Predicted Consequence/Location: Missense variant. The majority of the known disease-causing variants of this gene are variants expected to result in premature termination of the protein. Damaging effect on gene or gene product predicted by in silico programs is uncertain [REVEL: 0.48 (damaging >=0.6, benign <0.4), 3Cnet: 0.15 (damaging >0.75, benign <0.1)]. The same nucleotide change resulting in the same amino acid change has been previously reported to be associated with RARS2-related disorder (PMID: 33972171). However, the evidence of pathogenicity is insufficient at this time. Therefore, this variant is classified as VUS according to the recommendation of ACMG/AMP guideline.

Women's Health and Genetics/Laboratory Corporation of America, LabCorp
Classification: Uncertain significance. Last evaluated: 2024-08-20. Review status: criteria provided, single submitter. Criteria: LabCorp Variant Classification Summary - May 2015. Collection method: clinical testing. Allele origin: germline.
Comment: Variant summary: RARS2 c.601C>G (p.His201Asp) results in a non-conservative amino acid change located in the Arginyl-tRNA synthetase, catalytic core domain (IPR035684) of the encoded protein sequence. Three of five in-silico tools predict a damaging effect of the variant on protein function. The variant allele was found at a frequency of 4e-06 in 250976 control chromosomes. c.601C>G has been reported in the literature in compound heterozygous individuals affected with Pontocerebellar Hypoplasia, Type 6 or with clinical features of the disease (e.g. Roux_2021, Kahn-Kirby_2019, Matricardi_2019). These data indicate that the variant may be associated with disease. One publication reports experimental evidence evaluating an impact on protein function, however, does not allow convincing conclusions about the variant effect (e.g. Kahn-Kirby_2019). The following publications have been ascertained in the context of this evaluation (PMID: 30921410, 31102535, 33972171). No submitters have cited clinical-significance assessments for this variant to ClinVar. Based on the evidence outlined above, the variant was classified as VUS-possibly pathogenic.

Literature cited by the submitters: PubMed 33972171 (cited by 3billion and Women's Health and Genetics/Laboratory Corporation of America, LabCorp); PubMed 31102535 (cited by Women's Health and Genetics/Laboratory Corporation of America, LabCorp); PubMed 30921410 (cited by Women's Health and Genetics/Laboratory Corporation of America, LabCorp).